The following is an entry in ClinVar:

NM_001001344.3(ATP2B3):c.588G>A (p.Thr196=)

Gene: ATP2B3 (ATPase plasma membrane Ca2+ transporting 3; plus strand). Cytogenetic location: Xq28.
Variant type: single nucleotide variant.
Coding change: c.588G>A on transcript NM_001001344.3 (MANE Select); coding-DNA position 588, G replaced by A.
Protein change: p.Thr196=; no amino-acid change (threonine 196 retained).
Molecular consequence: synonymous variant.
Genome position (GRCh38, 1-based): chrX:153,541,850, G>A. VCF-style: chrX-153541850-G-A. GRCh37 (hg19) VCF-style: chrX-152807308-G-A.
Other names: c.588G>A, p.Thr196= (NM_001388360.1, NM_001388361.1, NM_001388362.1 and 1 more transcripts).
Identifiers: ClinVar variation 732399 (VCV000732399.7), dbSNP rs150670223, ClinGen allele CA10547512.

ClinVar aggregate classification (germline): Benign/Likely benign. Review status: criteria provided, multiple submitters, no conflicts (2 of 4 stars). 3 submissions from 3 submitters: Benign (1); Likely benign (1). 1 of the submissions does not count toward it. Last evaluated 2024-10-18.

Conditions:
ATP2B3-related disorder. Also called: ATP2B3-related condition.

Allele frequency attached by ClinVar (database versions not stated): 1000 Genomes Project 30x 0.00021; 1000 Genomes Project 0.00026; gnomAD exomes 0.00035 and 0.00103; ESP Exome Variant Server 0.00038; ExAC 0.00046; TOPMed 0.00049; gnomAD 0.00060 and 0.00061.
gnomAD v4.1: 1,178 of 1,209,875 alleles (0.097%); highest among the groups gnomAD compares: Non-Finnish European, 0.13%; 1 homozygote.

Submissions (3):

Blueprint Genetics
Classification: Likely benign. Last evaluated: 2024-10-18. Review status: criteria provided, single submitter. Criteria: ACMG Guidelines, 2015. Collection method: clinical testing. Allele origin: germline.

Labcorp Genetics (formerly Invitae), Labcorp
Classification: Benign. Last evaluated: 2019-12-31. Review status: criteria provided, single submitter. Criteria: Invitae Variant Classification Sherloc (09022015). Collection method: clinical testing. Allele origin: germline.

PreventionGenetics, part of Exact Sciences
Classification: Likely benign for ATP2B3-related condition. Last evaluated: 2019-06-20. Review status: no assertion criteria provided. Collection method: clinical testing. Allele origin: germline. Not counted in ClinVar's aggregate classification.
Comment: This variant is classified as likely benign based on ACMG/AMP sequence variant interpretation guidelines (Richards et al. 2015 PMID: 25741868, with internal and published modifications).